The following is an entry in ClinVar:

ClinVar aggregate classification (germline): Pathogenic. Review status: reviewed by expert panel (3 of 4 stars). 8 submissions from 8 submitters: Pathogenic (1). 7 of the submissions do not count toward it. Last evaluated 2025-03-18.

Conditions:
Cerebral creatine deficiency syndrome. Also called: Creatine deficiency syndromes. Identifiers: Orphanet 79172, MedGen C5244016, MONDO:0000456.
Deficiency of guanidinoacetate methyltransferase (CCDS2). Also called: CEREBRAL CREATINE DEFICIENCY SYNDROME 2; Guanidinoacetate Methyltransferase (GAMT) Deficiency; GAMT DEFICIENCY. Identifiers: Orphanet 382, MedGen C0574080, MONDO:0012999, OMIM 612736.

gnomAD v4.1: 6 of 1,613,352 alleles (0.00037%); highest among the groups gnomAD compares: South Asian, 0.0022%; no homozygotes.

Submissions (8):

ClinGen Cerebral Creatine Deficiency Syndromes Variant Curation Expert Panel, ClinGen
Classification: Pathogenic for Deficiency of guanidinoacetate methyltransferase. Last evaluated: 2025-03-18. Review status: reviewed by expert panel. Criteria: ClinGen CCDS ACMG Specifications GAMT V2.0.0. Collection method: curation. Allele origin: germline. Inheritance: Autosomal recessive inheritance.
Comment: The NM_000156.6:c.521G>A (p.Trp174Ter) variant in GAMT is a nonsense variant predicted to cause a premature stop codon in biologically-relevant-exon 5 out of a total of 6 exons. The variant occurs at the border of the last 50 nucleotides of the penultimate exon of GAMT. As a result, nonsense-mediated decay may not occur. In that case, >10% of the protein is predicted to be lost (PVS1_Strong). This patient is compound heterozygous for the variant and another variant in GAMT that has been classified as pathogenic by the ClinGen CCDS VCEP, c.59G>C (p.Trp20Ser) (ClinVar Variation ID: 8303; SCV004009593.1). The variants were confirmed to be in trans by parental DNA sequencing. 1 point (PM3). The highest population minor allele frequency in gnomAD v4.1.0. is 0.00002196 (2/91090 alleles; no homozygotes) in the South Asian population, which is lower than the ClinGen CCDS VCEP’s threshold for PM2_Supporting (<0.0004), meeting this criterion (PM2_Supporting). Another variant resulting in p.Trp174Ter (c.522G>A) (ClinVar Variation ID: 205584) has been reported and has been classified as pathogenic by the ClinGen CCDS VCEP. There is a ClinVar entry for the variant (Variation ID 801414). In summary, this variant meets the criteria to be classified as pathogenic for GAMT deficiency. ACMG/AMP GANT-specific criteria applied, as specified by the ClinGen CCDS VCEP (Version 2.0.0): PVS1_Strong, PM3, PP4_Strong, PM2_Supporting. (Classification approved by the ClinGen Cerebral Creatine Deficiencies Variant Curation Expert Panel on March 18, 2025)

Natera, Inc.
Classification: Pathogenic for Guanidinoacetate methyltransferase deficiency. Last evaluated: 2025-12-23. Review status: criteria provided, single submitter. Criteria: Natera Variant Classification Schema (03/2026). Collection method: clinical testing. Allele origin: germline. Not counted in ClinVar's aggregate classification.
Comment: The c.521G>A variant in GAMT is a nonsense variant predicted to introduce a stop codon at amino acid 174. This variant is expected to result in nonsense mediated decay, truncation, or a dysfunctional protein product. This variant is rare in the general population with a frequency below the threshold expected for the associated phenotype(s). This variant has been observed in one or more individuals affected with the associated recessive disease, as either homozygous or compound heterozygous with a second variant (PMID: 15108290, 16855203). Given the available evidence, this variant is classified as Pathogenic.

OLLIN Analises Genomicas, OLLIN
Classification: Pathogenic for Deficiency of guanidinoacetate methyltransferase. Last evaluated: 2025-09-05. Review status: criteria provided, single submitter. Criteria: ACMG Guidelines 2015 PMID 25741868. Collection method: clinical testing. Allele origin: germline. Affected: yes. Observed: 1 variant allele. Not counted in ClinVar's aggregate classification.
Comment: The nonsense variant (chr19:1398965C>T), located in exon 5 (of 6), is reported in ClinVar (VCV000801414.15), in gnomAD v4.1 non-UKB with an allele frequency of 0.00064%, and in the scientific literature, also in compound heterozygosity, in individuals with cerebral creatine deficiency (PMID: 15108290, 16855203, 21140503; ClinVar: SCV004009593.1). This variant introduces a premature stop codon, resulting in a truncated protein or mRNA degradation via nonsense-mediated decay (NMD). According to the currently available evidence, using the specific ClinGen criteria for the gene (PMID: 38452609) and the ClinGen expert panel classification for this variant (UUID: 39dddb09-bbe9-4b3a-a619-cd83b0bea7cd), it has been classified as pathogenic (PVS1_S, PM2_P, PM3, PP4_S).

Fulgent Genetics
Classification: Pathogenic for Deficiency of guanidinoacetate methyltransferase. Last evaluated: 2024-05-22. Review status: criteria provided, single submitter. Criteria: ACMG Guidelines, 2015. Collection method: clinical testing. Allele origin: germline. Not counted in ClinVar's aggregate classification.

Labcorp Genetics (formerly Invitae), Labcorp
Classification: Pathogenic for Cerebral creatine deficiency syndrome. Last evaluated: 2024-02-09. Review status: criteria provided, single submitter. Criteria: Invitae Variant Classification Sherloc (09022015). Collection method: clinical testing. Allele origin: germline. Not counted in ClinVar's aggregate classification.
Comment: This sequence change creates a premature translational stop signal (p.Trp174*) in the GAMT gene. It is expected to result in an absent or disrupted protein product. Loss-of-function variants in GAMT are known to be pathogenic (PMID: 15108290). This variant is present in population databases (rs200444143, gnomAD 0.003%). This premature translational stop signal has been observed in individual(s) with guanidinoacetate methyltransferase deficiency (PMID: 15108290). ClinVar contains an entry for this variant (Variation ID: 801414). For these reasons, this variant has been classified as Pathogenic.

Women's Health and Genetics/Laboratory Corporation of America, LabCorp
Classification: Pathogenic for Deficiency of guanidinoacetate methyltransferase. Last evaluated: 2022-04-12. Review status: criteria provided, single submitter. Criteria: LabCorp Variant Classification Summary - May 2015. Collection method: clinical testing. Allele origin: germline. Not counted in ClinVar's aggregate classification.
Comment: Variant summary: GAMT c.521G>A (p.Trp174X) results in a premature termination codon, predicted to cause a truncation of the encoded protein or absence of the protein due to nonsense mediated decay, which are commonly known mechanisms for disease. Truncations downstream of this position have been classified as pathogenic by our laboratory. The variant allele was found at a frequency of 4e-06 in 250896 control chromosomes (gnomAD). c.521G>A has been reported in the literature in individuals affected with Guanidinoactetate Methyltransferase Deficiency (Item_2004, Mercimek-Mahmutoglu_2006, Alcaide_2011). These data indicate that the variant is likely to be associated with disease. To our knowledge, no experimental evidence demonstrating an impact on protein function has been reported. Four ClinVar submitters (evaluation after 2014) cite the variant as pathogenic. Based on the evidence outlined above, the variant was classified as pathogenic.

Broad Center for Mendelian Genomics, Broad Institute of MIT and Harvard
Classification: Pathogenic for Cerebral creatine deficiency syndrome. Last evaluated: 2021-11-02. Review status: criteria provided, single submitter. Criteria: ACMG Guidelines, 2015. Collection method: curation. Allele origin: germline. Inheritance: Autosomal recessive inheritance. Not counted in ClinVar's aggregate classification.
Comment: The p.Trp174Ter (c.521G>A) variant in GAMT has been reported in 2 individuals with cerebral creatine deficiency syndrome (PMID: 15108290, 19892372) and has been identified in in 0.003% (1/30614) of South Asian chromosomes by the Genome Aggregation Database (gnomAD; dbSNP ID: rs200444143). Although this variant has been seen in the general population in a heterozygous state, its frequency is low enough to be consistent with a recessive carrier frequency. Of the 2 affected individuals, 1 was a compound heterozygote that carried a reported likely pathogenic variant in trans, and 1 was a compound heterozygote that carried a reported likely pathogenic variant with unknown phase, which increases the likelihood that the p.Trp174Ter variant is pathogenic (VariationID: 8303; PMID: 15108290, 19892372). This variant has also been reported in ClinVar (Variation ID#: 801414) and has been interpreted as pathogenic by Invitae and Mendelics. In vitro functional studies provide some evidence that the p.Trp174Ter variant may impact protein function (PMID: 21140503). However, these types of assays may not accurately represent biological function. This nonsense variant leads to a premature termination codon at position 174. This alteration occurs within the terminal 50 bases of the second to last exon and is more likely to escape nonsense mediated decay (NMD) and result in a truncated protein. Loss of function of the GAMT gene is an established disease mechanism in autosomal recessive cerebral creatine deficiency syndrome. The phenotype of individuals compound heterozygous for this variant is highly specific for cerebral creatine deficiency syndrome based on strict biochemical investigations consistent with disease (PMID: 15108290, 19892372). In summary, this variant meets criteria to be classified as pathogenic for autosomal recessive cerebral creatine deficiency syndrome. ACMG/AMP Criteria applied: PVS1_strong, PM3, PP4_strong, PM2_supporting, PS3_supporting (Richards 2015).

Mendelics
Classification: Pathogenic. Last evaluated: 2019-05-28. Review status: criteria provided, single submitter. Criteria: Mendelics Assertion Criteria 2017. Collection method: clinical testing. Allele origin: unknown. Not counted in ClinVar's aggregate classification.

Literature cited by the submitters: PubMed 15108290 (cited by 4 submitters); PubMed 16855203 (cited by 3 submitters); PubMed 21140503 (cited by 3 submitters); PubMed 38452609 (cited by OLLIN Analises Genomicas, OLLIN); PubMed 16054853 (cited by Women's Health and Genetics/Laboratory Corporation of America, LabCorp).

NM_000156.6(GAMT):c.521G>A (p.Trp174Ter)

Gene: GAMT (guanidinoacetate N-methyltransferase; minus strand). Cytogenetic location: 19p13.3.
Variant type: single nucleotide variant.
Coding change: c.521G>A on transcript NM_000156.6 (MANE Select); coding-DNA position 521, G replaced by A.
Protein change: p.Trp174Ter; replaces tryptophan 174 with a stop codon.
Molecular consequence: nonsense.
Genome position (GRCh38, 1-based): chr19:1,398,965, C>T on the plus strand (G>A on the coding strand, the complement: GAMT is on the minus strand). VCF-style: chr19-1398965-C-T. GRCh37 (hg19) VCF-style: chr19-1398964-C-T.
Other names: NM_000156.6(GAMT):c.521G>A; p.Trp174Ter; c.521G>A, p.Trp174Ter (NM_138924.3); c.521G>A (NM_000156.5); short protein forms W174*.
Identifiers: ClinVar variation 801414 (VCV000801414.17), dbSNP rs200444143, ClinGen allele CA9043619.